The following is an entry in ClinVar:

ClinVar aggregate classification (germline): Uncertain significance (1 of 4 stars; one submission).

Conditions:
Spastic ataxia 2. Also called: Ataxia, spastic, 2, autosomal recessive. Identifiers: Orphanet 397946, MedGen C1969796, MONDO:0012651, OMIM 611302.

Allele frequency attached by ClinVar (database versions not stated): gnomAD exomes 0.00001; ExAC 0.00002; gnomAD 0.00001; TOPMed 0.00003; ESP Exome Variant Server 0.00008.
gnomAD v4.1: 200 of 1,611,964 alleles (0.012%); highest among the groups gnomAD compares: Non-Finnish European, 0.017%; no homozygotes.

Submission:

Labcorp Genetics (formerly Invitae), Labcorp
Classification: Uncertain significance for Spastic ataxia 2. Last evaluated: 2021-09-01. Review status: criteria provided, single submitter. Criteria: Invitae Variant Classification Sherloc (09022015). Collection method: clinical testing. Allele origin: germline.
Comment: This sequence change replaces proline with leucine at codon 739 of the KIF1C protein (p.Pro739Leu). The proline residue is highly conserved and there is a moderate physicochemical difference between proline and leucine. This variant is present in population databases (rs376385209, ExAC 0.004%). This variant has not been reported in the literature in individuals affected with KIF1C-related conditions. Algorithms developed to predict the effect of missense changes on protein structure and function are either unavailable or do not agree on the potential impact of this missense change (SIFT: "Deleterious"; PolyPhen-2: "Possibly Damaging"; Align-GVGD: "Class C0"). In summary, the available evidence is currently insufficient to determine the role of this variant in disease. Therefore, it has been classified as a Variant of Uncertain Significance.

NM_006612.6(KIF1C):c.2216C>T (p.Pro739Leu)

Gene: KIF1C (kinesin family member 1C; plus strand). Cytogenetic location: 17p13.2.
Variant type: single nucleotide variant.
Coding change: c.2216C>T on transcript NM_006612.6 (MANE Select); coding-DNA position 2216, C replaced by T.
Protein change: p.Pro739Leu; replaces proline 739 with leucine.
Molecular consequence: missense variant.
Genome position (GRCh38, 1-based): chr17:5,022,297, C>T. VCF-style: chr17-5022297-C-T. GRCh37 (hg19) VCF-style: chr17-4925592-C-T.
Other names: short protein forms P739L.
Identifiers: ClinVar variation 663676 (VCV000663676.6), dbSNP rs376385209, ClinGen allele CA8319242.
Genomic context (GRCh38, chr17:5,022,297, plus strand): 5'-GCAGGGCCCCTCGCAGGGTTTATCAGATCCCCCAGCGACGCAGGCTGCAGGGCAAAGACC[C>T]CCGCTGGGCCACCATGGCTGACCTGAAGATGCAGGCGGTGAAGGAGATCTGCTACGAGGT-3'
Protein context (NP_006603.2, residues 729-749): PQRRRLQGKD[Pro739Leu]RWATMADLKM